The following is an entry in ClinVar:

ClinVar aggregate classification (germline): Uncertain significance. Review status: criteria provided, multiple submitters, no conflicts (2 of 4 stars). 2 submissions from 2 submitters: Uncertain significance (2). Last evaluated 2025-11-08.

Conditions:
Hereditary cancer-predisposing syndrome. Also called: Hereditary Cancer Syndrome; Hereditary neoplastic syndrome; Neoplastic Syndromes, Hereditary; Tumor predisposition. Identifiers: Orphanet 140162, MedGen C0027672, MeSH D009386, MONDO:0015356.
Gorlin syndrome. Also called: Nevoid Basal Cell Carcinoma Syndrome; Basal cell nevus syndrome. Identifiers: Orphanet 377, MedGen C0004779, MONDO:0007187.

Submissions (2):

Ambry Genetics
Classification: Uncertain significance for Hereditary cancer-predisposing syndrome. Last evaluated: 2025-11-08. Review status: criteria provided, single submitter. Criteria: Ambry Variant Classification Scheme 2023. Collection method: clinical testing. Allele origin: germline.
Comment: The p.D46G variant (also known as c.137A>G), located in coding exon 1 of the PTCH1 gene, results from an A to G substitution at nucleotide position 137. The aspartic acid at codon 46 is replaced by glycine, an amino acid with similar properties. This amino acid position is conserved. In addition, the in silico prediction for this alteration is inconclusive. Based on the available evidence, the clinical significance of this variant remains unclear.

Labcorp Genetics (formerly Invitae), Labcorp
Classification: Uncertain significance for Gorlin syndrome. Last evaluated: 2024-04-13. Review status: criteria provided, single submitter. Criteria: Invitae Variant Classification Sherloc (09022015). Collection method: clinical testing. Allele origin: germline.
Comment: This sequence change replaces aspartic acid, which is acidic and polar, with glycine, which is neutral and non-polar, at codon 46 of the PTCH1 protein (p.Asp46Gly). This variant is not present in population databases (gnomAD no frequency). This variant has not been reported in the literature in individuals affected with PTCH1-related conditions. Advanced modeling of protein sequence and biophysical properties (such as structural, functional, and spatial information, amino acid conservation, physicochemical variation, residue mobility, and thermodynamic stability) performed at Invitae indicates that this missense variant is not expected to disrupt PTCH1 protein function with a negative predictive value of 95%. In summary, the available evidence is currently insufficient to determine the role of this variant in disease. Therefore, it has been classified as a Variant of Uncertain Significance.

NM_000264.5(PTCH1):c.137A>G (p.Asp46Gly)

Genes: PTCH1 (patched 1; minus strand), LOC130002133 (ATAC-STARR-seq lymphoblastoid silent region 20071; plus strand). Cytogenetic location: 9q22.32.
Variant type: single nucleotide variant.
Coding change: c.137A>G on transcript NM_000264.5 (MANE Select); coding-DNA position 137, A replaced by G.
Protein change: p.Asp46Gly; replaces aspartic acid 46 with glycine.
Molecular consequence: missense variant. On other transcripts: non-coding transcript variant (1), intron variant (3).
Genome position (GRCh38, 1-based): chr9:95,508,225, T>C on the plus strand (A>G on the coding strand, the complement: PTCH1 is on the minus strand). VCF-style: chr9-95508225-T-C. GRCh37 (hg19) VCF-style: chr9-98270507-T-C.
Other names: c.137A>G, p.Asp46Gly (NM_001354918.2); c.199-1626A>G (NM_001083603.3); c.4-1626A>G (NM_001083602.3, NM_001354919.2); short protein forms D46G.
Identifiers: ClinVar variation 3631414 (VCV003631414.3).